The following is an entry in ClinVar:

ClinVar aggregate classification (germline): Uncertain significance (1 of 4 stars; one submission).

Conditions:
Hereditary sensory and autonomic neuropathy type 7. Also called: HSAN VII; Neuropathy, hereditary sensory and autonomic, type VII. Identifiers: Orphanet 391397, MedGen C3809882, MONDO:0014244, OMIM 615548.
Familial episodic pain syndrome with predominantly lower limb involvement. Also called: Episodic pain syndrome, familial, 3. Identifiers: Orphanet 391384, Orphanet 391392, MedGen C3809899, MONDO:0014247, OMIM 615552.

Allele frequency attached by ClinVar (database versions not stated): TOPMed below 0.00001; gnomAD 0.00001 and 0.00003.
gnomAD v4.1: 6 of 1,613,664 alleles (0.00037%); highest among the groups gnomAD compares: Non-Finnish European, 0.00051%; no homozygotes.

Submission:

Labcorp Genetics (formerly Invitae), Labcorp
Classification: Uncertain significance for Familial episodic pain syndrome with predominantly lower limb involvement; Hereditary sensory and autonomic neuropathy type 7. Last evaluated: 2025-01-03. Review status: criteria provided, single submitter. Criteria: Invitae Variant Classification Sherloc (09022015). Collection method: clinical testing. Allele origin: germline.
Comment: This sequence change replaces methionine, which is neutral and non-polar, with isoleucine, which is neutral and non-polar, at codon 773 of the SCN11A protein (p.Met773Ile). This variant is present in population databases (no rsID available, gnomAD 0.007%). This variant has not been reported in the literature in individuals affected with SCN11A-related conditions. ClinVar contains an entry for this variant (Variation ID: 573757). Invitae Evidence Modeling of protein sequence and biophysical properties (such as structural, functional, and spatial information, amino acid conservation, physicochemical variation, residue mobility, and thermodynamic stability) indicates that this missense variant is expected to disrupt SCN11A protein function with a positive predictive value of 80%. In summary, the available evidence is currently insufficient to determine the role of this variant in disease. Therefore, it has been classified as a Variant of Uncertain Significance.

NM_001349253.2(SCN11A):c.2319G>A (p.Met773Ile)

Gene: SCN11A (sodium voltage-gated channel alpha subunit 11; minus strand). Cytogenetic location: 3p22.2.
Variant type: single nucleotide variant.
Coding change: c.2319G>A on transcript NM_001349253.2 (MANE Select); coding-DNA position 2319, G replaced by A.
Protein change: p.Met773Ile; replaces methionine 773 with isoleucine.
Molecular consequence: missense variant.
Genome position (GRCh38, 1-based): chr3:38,896,929, C>T on the plus strand (G>A on the coding strand, the complement: SCN11A is on the minus strand). VCF-style: chr3-38896929-C-T. GRCh37 (hg19) VCF-style: chr3-38938420-C-T.
Other names: c.2319G>A, p.Met773Ile (NM_014139.3); short protein forms M773I.
Identifiers: ClinVar variation 573757 (VCV000573757.5), dbSNP rs1370117026, ClinGen allele CA352157609.